The following is an entry in ClinVar:

ClinVar aggregate classification (germline): Uncertain significance. Review status: criteria provided, multiple submitters, no conflicts (2 of 4 stars). 2 submissions from 2 submitters: Uncertain significance (2). Last evaluated 2024-03-28.

Conditions:
Hereditary cancer-predisposing syndrome. Also called: Hereditary neoplastic syndrome; Neoplastic Syndromes, Hereditary; Tumor predisposition; Hereditary Cancer Syndrome. Identifiers: Orphanet 140162, MedGen C0027672, MeSH D009386, MONDO:0015356.
Hereditary breast ovarian cancer syndrome. Also called: Hereditary breast and/or ovarian cancer syndrome; Hereditary breast and ovarian cancer syndrome; Hereditary breast and ovarian cancer syndrome (HBOC); Breast and ovarian cancer; BRCA1- and BRCA2-Associated Hereditary Breast and Ovarian Cancer; Hereditary breast and ovarian cancer. Identifiers: Orphanet 145, MedGen C0677776, MeSH D061325, MONDO:0003582. Disease mechanism: loss of function.

Submissions (2):

Ambry Genetics
Classification: Uncertain significance for Hereditary cancer-predisposing syndrome. Last evaluated: 2024-03-28. Review status: criteria provided, single submitter. Criteria: Ambry Variant Classification Scheme 2023. Collection method: clinical testing. Allele origin: germline.
Comment: The p.G3255E variant (also known as c.9764G>A), located in coding exon 26 of the BRCA2 gene, results from a G to A substitution at nucleotide position 9764. The glycine at codon 3255 is replaced by glutamic acid, an amino acid with similar properties. This amino acid position is conserved. In addition, this alteration is predicted to be tolerated by in silico analysis. Based on the available evidence, the clinical significance of this alteration remains unclear.

Labcorp Genetics (formerly Invitae), Labcorp
Classification: Uncertain significance for Hereditary breast ovarian cancer syndrome. Last evaluated: 2019-07-04. Review status: criteria provided, single submitter. Criteria: Invitae Variant Classification Sherloc (09022015). Collection method: clinical testing. Allele origin: germline.
Comment: In summary, the available evidence is currently insufficient to determine the role of this variant in disease. Therefore, it has been classified as a Variant of Uncertain Significance. Algorithms developed to predict the effect of missense changes on protein structure and function output the following: SIFT: "Tolerated"; PolyPhen-2: "Benign"; Align-GVGD: "Class C0". The glutamic acid amino acid residue is found in multiple mammalian species, suggesting that this missense change does not adversely affect protein function. These predictions have not been confirmed by published functional studies and their clinical significance is uncertain. This variant has not been reported in the literature in individuals with BRCA2-related conditions. This variant is not present in population databases (ExAC no frequency). This sequence change replaces glycine with glutamic acid at codon 3255 of the BRCA2 protein (p.Gly3255Glu). The glycine residue is moderately conserved and there is a moderate physicochemical difference between glycine and glutamic acid.

NM_000059.4(BRCA2):c.9764G>A (p.Gly3255Glu)

Gene: BRCA2 (BRCA2 DNA repair associated; plus strand). Cytogenetic location: 13q13.1.
Variant type: single nucleotide variant.
Coding change: c.9764G>A on transcript NM_000059.4 (MANE Select); coding-DNA position 9764, G replaced by A.
Protein change: p.Gly3255Glu; replaces glycine 3255 with glutamic acid.
Molecular consequence: missense variant.
Genome position (GRCh38, 1-based): chr13:32,398,277, G>A. VCF-style: chr13-32398277-G-A. GRCh37 (hg19) VCF-style: chr13-32972414-G-A.
Other names: short protein forms G3255E.
Identifiers: ClinVar variation 948398 (VCV000948398.11), dbSNP rs2073050661, ClinGen allele CA387765762.
Genomic context (GRCh38, chr13:32,398,277, plus strand): 5'-CCAAAAGGAAGTCTGTTTCCACACCTGTCTCAGCCCAGATGACTTCAAAGTCTTGTAAAG[G>A]GGAGAAAGAGATTGATGACCAAAAGAACTGCAAAAAGAGAAGAGCCTTGGATTTCTTGAG-3'
Protein context (NP_000050.3, residues 3245-3265): SAQMTSKSCK[Gly3255Glu]EKEIDDQKNC